The following is an entry in ClinVar:

NM_000238.4(KCNH2):c.722C>G (p.Pro241Arg)

Gene: KCNH2 (potassium voltage-gated channel subfamily H member 2; minus strand). Cytogenetic location: 7q36.1.
Variant type: single nucleotide variant.
Coding change: c.722C>G on transcript NM_000238.4 (MANE Select); coding-DNA position 722, C replaced by G.
Protein change: p.Pro241Arg; replaces proline 241 with arginine.
Molecular consequence: missense variant. On other transcripts: non-coding transcript variant (1).
Genome position (GRCh38, 1-based): chr7:150,958,253, G>C on the plus strand (C>G on the coding strand, the complement: KCNH2 is on the minus strand). VCF-style: chr7-150958253-G-C. GRCh37 (hg19) VCF-style: chr7-150655341-G-C.
Other names: c.434C>G, p.Pro145Arg (NM_001406753.1, NM_001406756.1); c.545C>G, p.Pro182Arg (NM_001406755.1); c.422C>G, p.Pro141Arg (NM_001406757.1); c.722C>G, p.Pro241Arg (NM_172056.3); short protein forms P145R, P241R, P182R, P141R.
Identifiers: ClinVar variation 3702097 (VCV003702097.2).

ClinVar aggregate classification (germline): Uncertain significance (1 of 4 stars; one submission).

Conditions:
Long QT syndrome (LQTS). Identifiers: MedGen C0023976, MeSH D008133, MONDO:0002442. Disease mechanism: loss of function. Inheritance: Various modes of inheritance.

gnomAD v4.1: 1 of 1,418,074 alleles (0.000071%); highest among the groups gnomAD compares: Non-Finnish European, 0.000092%; no homozygotes.

Submission:

Labcorp Genetics (formerly Invitae), Labcorp
Classification: Uncertain significance for Long QT syndrome. Last evaluated: 2025-08-03. Review status: criteria provided, single submitter. Criteria: Invitae Variant Classification Sherloc (09022015). Collection method: clinical testing. Allele origin: germline.
Comment: This sequence change replaces proline, which is neutral and non-polar, with arginine, which is basic and polar, at codon 241 of the KCNH2 protein (p.Pro241Arg). This variant is not present in population databases (gnomAD no frequency). This variant has not been reported in the literature in individuals affected with KCNH2-related conditions. ClinVar contains an entry for this variant (Variation ID: 3702097). An algorithm developed to predict the effect of missense changes on protein structure and function (PolyPhen-2) suggests that this variant is likely to be tolerated. In summary, the available evidence is currently insufficient to determine the role of this variant in disease. Therefore, it has been classified as a Variant of Uncertain Significance.